The following is an entry in ClinVar:

ClinVar aggregate classification (germline): Pathogenic. Review status: criteria provided, multiple submitters, no conflicts (2 of 4 stars). 3 submissions from 3 submitters: Pathogenic (3). Last evaluated 2024-11-12.

Conditions:
PKD1-related disorder. Also called: PKD1-related condition.
Polycystic kidney disease, adult type (PKD1). Also called: Polycystic Kidney, Autosomal Dominant; Polycystic Kidney Disease 1, Autosomal Dominant; Polycystic kidney disease 1; Polycystic kidney disease 1, severe; POLYCYSTIC KIDNEY DISEASE 1 WITH OR WITHOUT POLYCYSTIC LIVER DISEASE; POLYCYSTIC KIDNEY DISEASE, ADULT, TYPE I. Identifiers: MedGen C3149841, MONDO:0008263, OMIM 173900.

Submissions (3):

Victorian Clinical Genetics Services, Murdoch Childrens Research Institute
Classification: Pathogenic for Polycystic kidney disease, adult type. Last evaluated: 2024-11-12. Review status: criteria provided, single submitter. Criteria: ACMG Guidelines, 2015. Collection method: clinical testing. Allele origin: germline. Affected: yes.
Comment: This variant is classified as Pathogenic. Evidence in support of pathogenic classification: Variant is predicted to cause nonsense-mediated decay (NMD) and loss of protein (premature termination codon is located at least 54 nucleotides upstream of the final exon-exon junction); Variant is absent from gnomAD (v2, v3 and v4); Other NMD-predicted variants comparable to the one identified in this case have very strong previous evidence for pathogenicity (DECIPHER, ClinVar). Additional information: This variant is heterozygous; This gene is associated with autosomal dominant disease. Polycystic kidney disease 1 (MIM#173900) is predominantly caused by monoallelic variants, with rare reports of biallelic variants causing disease (OMIM); Loss of function is a known mechanism of disease in this gene and is associated with polycystic kidney disease 1 (MIM#173900); Inheritance information for this variant is not currently available in this individual.

PreventionGenetics, part of Exact Sciences
Classification: Pathogenic for PKD1-related condition. Last evaluated: 2023-05-09. Review status: criteria provided, single submitter. Criteria: ACMG Guidelines, 2015. Collection method: clinical testing. Allele origin: germline.
Comment: The PKD1 c.5824dupC variant is predicted to result in a frameshift and premature protein termination (p.Arg1942Profs*48). This variant was reported to be causative for autosomal dominant polycystic kidney disease 1 (Audrézet et al. 2012. PubMed ID: 22508176). This variant has not been reported in a large population database, indicating this variant is rare. Frameshift variants in PKD1 are expected to be pathogenic. This variant is interpreted as pathogenic.

GeneDx
Classification: Pathogenic. Last evaluated: 2022-04-21. Review status: criteria provided, single submitter. Criteria: GeneDx Variant Classification Process June 2021. Collection method: clinical testing. Allele origin: germline. Affected: yes.
Comment: Frameshift variant predicted to result in protein truncation or nonsense mediated decay in a gene for which loss of function is a known mechanism of disease; Not observed at significant frequency in large population cohorts (gnomAD); This variant is associated with the following publications: (PMID: 22508176)

NM_001009944.3(PKD1):c.5824dup (p.Arg1942fs)

Gene: PKD1 (polycystin 1, transient receptor potential channel interacting; minus strand). Cytogenetic location: 16p13.3.
Variant type: Duplication.
Coding change: c.5824dup on transcript NM_001009944.3 (MANE Select); coding-DNA position 5824, one base duplicated (C; older notation c.5824dupC).
Protein change: p.Arg1942fs; shifts the reading frame from arginine 1942.
Molecular consequence: frameshift variant.
Genome position (GRCh38, 1-based): chr16:2,109,343, G duplicated on the plus strand (C on the coding strand, the reverse complement: PKD1 is on the minus strand); the first of 5 consecutive G bases (chr16:2,109,343-2,109,347); duplicating any one gives the same sequence. VCF-style (leftmost placement, unchanged base first): chr16-2109342-C-CG. GRCh37 (hg19) VCF-style: chr16-2159343-C-CG.
Other names: c.5824dup (NM_001009944.2); c.5824dupC (NM_001009944.2); c.5824dup, p.Arg1942fs (NM_000296.4); short protein forms R1942fs.
Identifiers: ClinVar variation 1711922 (VCV001711922.5), dbSNP rs1567195285, ClinGen allele CA2580090906.